The following is an entry in ClinVar:

NM_004655.4(AXIN2):c.1079A>T (p.Lys360Met)

Gene: AXIN2 (axin 2; minus strand). Cytogenetic location: 17q24.1.
Variant type: single nucleotide variant.
Coding change: c.1079A>T on transcript NM_004655.4 (MANE Select); coding-DNA position 1079, A replaced by T.
Protein change: p.Lys360Met; replaces lysine 360 with methionine.
Molecular consequence: missense variant.
Genome position (GRCh38, 1-based): chr17:65,538,324, T>A on the plus strand (A>T on the coding strand, the complement: AXIN2 is on the minus strand). VCF-style: chr17-65538324-T-A. GRCh37 (hg19) VCF-style: chr17-63534442-T-A.
Other names: c.1079A>T, p.Lys360Met (NM_001363813.1); short protein forms K360M.
Identifiers: ClinVar variation 818349 (VCV000818349.20), dbSNP rs146249973, ClinGen allele CA400678571.
Genomic context (GRCh38, chr17:65,538,324, plus strand): 5'-TTTTCCAGCCTCGAGATCAGCTCAGCTGCAAAGGTGGCGGGTTCCACGGGGGTCATCTCC[T>A]TGGGCAGGCGGTGGGTTCTCTACAGGACGTGGAAAGGAAAGGGAGGAGGCACGTTCAGCA-3'
Protein context (NP_004646.3, residues 350-370): PHFPRTHRLP[Lys360Met]EMTPVEPATF

ClinVar aggregate classification (germline): Uncertain significance. Review status: criteria provided, multiple submitters, no conflicts (2 of 4 stars). 3 submissions from 3 submitters: Uncertain significance (3). Last evaluated 2025-03-04.

Conditions:
Oligodontia-cancer predisposition syndrome. Also called: TOOTH AGENESIS-COLORECTAL CANCER SYNDROME. Identifiers: Orphanet 300576, MedGen C1837750, MONDO:0012075, OMIM 608615. Disease mechanism: loss of function.
Hereditary cancer-predisposing syndrome. Also called: Tumor predisposition; Hereditary neoplastic syndrome; Neoplastic Syndromes, Hereditary; Hereditary Cancer Syndrome. Identifiers: Orphanet 140162, MedGen C0027672, MeSH D009386, MONDO:0015356.

Submissions (3):

Center for Genomic Medicine, Rigshospitalet, Copenhagen University Hospital
Classification: Uncertain significance. Last evaluated: 2025-03-04. Review status: criteria provided, single submitter. Criteria: ACMG Guidelines, 2015. Collection method: clinical testing. Allele origin: germline.

Labcorp Genetics (formerly Invitae), Labcorp
Classification: Uncertain significance for Oligodontia-cancer predisposition syndrome. Last evaluated: 2022-11-24. Review status: criteria provided, single submitter. Criteria: Invitae Variant Classification Sherloc (09022015). Collection method: clinical testing. Allele origin: germline.
Comment: Advanced modeling of protein sequence and biophysical properties (such as structural, functional, and spatial information, amino acid conservation, physicochemical variation, residue mobility, and thermodynamic stability) performed at Invitae indicates that this missense variant is not expected to disrupt AXIN2 protein function. In summary, the available evidence is currently insufficient to determine the role of this variant in disease. Therefore, it has been classified as a Variant of Uncertain Significance. ClinVar contains an entry for this variant (Variation ID: 818349). This variant has not been reported in the literature in individuals affected with AXIN2-related conditions. This variant is not present in population databases (gnomAD no frequency). This sequence change replaces lysine, which is basic and polar, with methionine, which is neutral and non-polar, at codon 360 of the AXIN2 protein (p.Lys360Met).

Ambry Genetics
Classification: Uncertain significance for Hereditary cancer-predisposing syndrome. Last evaluated: 2019-08-22. Review status: criteria provided, single submitter. Criteria: Ambry Variant Classification Scheme 2023. Collection method: clinical testing. Allele origin: germline.
Comment: The p.K360M variant (also known as c.1079A>T), located in coding exon 4 of the AXIN2 gene, results from an A to T substitution at nucleotide position 1079. The lysine at codon 360 is replaced by methionine, an amino acid with similar properties. This amino acid position is highly conserved in available vertebrate species. In addition, the in silico prediction for this alteration is inconclusive. Since supporting evidence is limited at this time, the clinical significance of this alteration remains unclear.